The following is an entry in ClinVar:

ClinVar aggregate classification (germline): Uncertain significance (1 of 4 stars; one submission).

Conditions:
Autosomal recessive limb-girdle muscular dystrophy type 2J (LGMDR10). Also called: Limb-girdle muscular dystrophy, type 2J; MUSCULAR DYSTROPHY, LIMB-GIRDLE, AUTOSOMAL RECESSIVE 10. Identifiers: Orphanet 140922, MedGen C1837342, MONDO:0012127, OMIM 608807.
Dilated cardiomyopathy 1G (CMD1G). Identifiers: Orphanet 154, MedGen C1858763, MONDO:0011400, OMIM 604145.

Submission:

Labcorp Genetics (formerly Invitae), Labcorp
Classification: Uncertain significance for Dilated cardiomyopathy 1G; Autosomal recessive limb-girdle muscular dystrophy type 2J. Last evaluated: 2024-08-22. Review status: criteria provided, single submitter. Criteria: Invitae Variant Classification Sherloc (09022015). Collection method: clinical testing. Allele origin: germline.
Comment: This sequence change replaces serine, which is neutral and polar, with threonine, which is neutral and polar, at codon 35749 of the TTN protein (p.Ser35749Thr). This variant is not present in population databases (gnomAD no frequency). This variant has not been reported in the literature in individuals affected with TTN-related conditions. Experimental studies and prediction algorithms are not available or were not evaluated, and the functional significance of this variant is currently unknown. This variant is located in the M band of TTN (PMID: 25589632). Non-truncating variants in this region may be relevant for neuromuscular disorders, but have not been definitively shown to cause cardiomyopathy (PMID: 23975875). In summary, the available evidence is currently insufficient to determine the role of this variant in disease. Therefore, it has been classified as a Variant of Uncertain Significance.

Literature cited by the submitters: PubMed 25589632; PubMed 23975875.

NM_001267550.2(TTN):c.107246G>C (p.Ser35749Thr)

Genes: TTN-AS1 (TTN antisense RNA 1; plus strand), TTN (titin; minus strand). Cytogenetic location: 2q31.2.
Variant type: single nucleotide variant.
Coding change: c.107246G>C on transcript NM_001267550.2 (MANE Select); coding-DNA position 107246, G replaced by C.
Protein change: p.Ser35749Thr; replaces serine 35749 with threonine.
Molecular consequence: missense variant.
Genome position (GRCh38, 1-based): chr2:178,528,405, C>G on the plus strand (G>C on the coding strand, the complement: TTN is on the minus strand). VCF-style: chr2-178528405-C-G. GRCh37 (hg19) VCF-style: chr2-179393132-C-G.
Other names: c.102323G>C, p.Ser34108Thr (NM_001256850.1); c.80051G>C, p.Ser26684Thr (NM_003319.4); c.99542G>C, p.Ser33181Thr (NM_133378.4); c.80426G>C, p.Ser26809Thr (NM_133432.3); c.80627G>C, p.Ser26876Thr (NM_133437.4); short protein forms S26684T, S26809T, S26876T, S33181T, S34108T, S35749T.
Identifiers: ClinVar variation 3752315 (VCV003752315.2).